The following is an entry in ClinVar:

NM_005068.3(SIM1):c.1894C>T (p.His632Tyr)

Gene: SIM1 (SIM bHLH transcription factor 1; minus strand). Cytogenetic location: 6q16.3.
Variant type: single nucleotide variant.
Coding change: c.1894C>T on transcript NM_005068.3 (MANE Select); coding-DNA position 1894, C replaced by T.
Protein change: p.His632Tyr; replaces histidine 632 with tyrosine.
Molecular consequence: missense variant.
Genome position (GRCh38, 1-based): chr6:100,390,768, G>A on the plus strand (C>T on the coding strand, the complement: SIM1 is on the minus strand). VCF-style: chr6-100390768-G-A. GRCh37 (hg19) VCF-style: chr6-100838644-G-A.
Other names: c.1894C>T, p.His632Tyr (NM_001374769.1); short protein forms H632Y.
Identifiers: ClinVar variation 549515 (VCV000549515.3), dbSNP rs1486871541, ClinGen allele CA365298099.

ClinVar aggregate classification (germline): Uncertain significance. Review status: criteria provided, multiple submitters, no conflicts (2 of 4 stars). 2 submissions from 2 submitters: Uncertain significance (2). Last evaluated 2023-09-14.

Conditions:
Monogenic diabetes. Identifiers: Orphanet 183625, MedGen C3888631, MONDO:0015967.
SIM1-related disorder. Also called: SIM1-related condition; SIM1-related disorders.

Allele frequency attached by ClinVar (database versions not stated): gnomAD 0.00001.
gnomAD v4.1: 2 of 1,614,024 alleles (0.00012%); highest among the groups gnomAD compares: African/African-American, 0.0013%; no homozygotes.

Submissions (2):

PreventionGenetics, part of Exact Sciences
Classification: Uncertain significance for SIM1-related condition. Last evaluated: 2023-09-14. Review status: criteria provided, single submitter. Criteria: ACMG Guidelines, 2015. Collection method: clinical testing. Allele origin: germline.
Comment: The SIM1 c.1894C>T variant is predicted to result in the amino acid substitution p.His632Tyr. To our knowledge, this variant has not been reported in the literature. This variant is reported in 0.011% of alleles in individuals of African descent in gnomAD. At this time, the clinical significance of this variant is uncertain due to the absence of conclusive functional and genetic evidence.

Personalized Diabetes Medicine Program, University of Maryland School of Medicine
Classification: Uncertain significance for Monogenic diabetes. Last evaluated: 2017-03-31. Review status: criteria provided, single submitter. Criteria: ACMG Guidelines, 2015. Collection method: research. Allele origin: unknown. Observed: 1 variant allele, 1 heterozygote. Study: Personalized Diabetes Medicine Program.
Comment: ACMG Criteria:PP3 (4 predictors), BP4 (7 predictors), PM2 (absent in database)